The following is an entry in ClinVar:

ClinVar aggregate classification (germline): Conflicting classifications of pathogenicity. Review status: criteria provided, conflicting classifications (1 of 4 stars). 2 submissions from 2 submitters: Uncertain significance (1); Likely benign (1). Last evaluated 2024-02-23.

Conditions:
Inborn genetic diseases. Identifiers: MedGen C0950123, MeSH D030342.
Isolated microphthalmia 5. Also called: Posterior Microphthalmia with Retinitis Pigmentosa, Foveoschisis, and Optic Disc Drusen. Identifiers: Orphanet 251279, MedGen C1970236, MONDO:0012605, OMIM 611040.

Allele frequency attached by ClinVar (database versions not stated): gnomAD exomes 0.00003; ExAC 0.00003; gnomAD 0.00005; TOPMed 0.00005.
gnomAD v4.1: 98 of 1,613,902 alleles (0.0061%); highest among the groups gnomAD compares: South Asian, 0.0099%; no homozygotes.

Submissions (2):

Labcorp Genetics (formerly Invitae), Labcorp
Classification: Uncertain significance for Isolated microphthalmia 5. Last evaluated: 2024-02-23. Review status: criteria provided, single submitter. Criteria: Invitae Variant Classification Sherloc (09022015). Collection method: clinical testing. Allele origin: germline.
Comment: This sequence change replaces arginine, which is basic and polar, with histidine, which is basic and polar, at codon 266 of the MFRP protein (p.Arg266His). This variant is present in population databases (rs201021366, gnomAD 0.006%). This variant has not been reported in the literature in individuals affected with MFRP-related conditions. ClinVar contains an entry for this variant (Variation ID: 1364609). Advanced modeling of protein sequence and biophysical properties (such as structural, functional, and spatial information, amino acid conservation, physicochemical variation, residue mobility, and thermodynamic stability) performed at Invitae indicates that this missense variant is not expected to disrupt MFRP protein function with a negative predictive value of 80%. In summary, the available evidence is currently insufficient to determine the role of this variant in disease. Therefore, it has been classified as a Variant of Uncertain Significance.

Ambry Genetics
Classification: Likely benign for Inborn genetic diseases. Last evaluated: 2023-06-26. Review status: criteria provided, single submitter. Criteria: Ambry Variant Classification Scheme 2023. Collection method: clinical testing. Allele origin: germline.

NM_031433.4(MFRP):c.797G>A (p.Arg266His)

Genes: C1QTNF5 (C1q and TNF related 5; minus strand), MFRP (membrane frizzled-related protein; minus strand). Cytogenetic location: 11q23.3.
Variant type: single nucleotide variant.
Coding change: c.797G>A on transcript NM_031433.4 (MANE Select); coding-DNA position 797, G replaced by A.
Protein change: p.Arg266His; replaces arginine 266 with histidine.
Molecular consequence: missense variant. On other transcripts: 5 prime UTR variant (1).
Genome position (GRCh38, 1-based): chr11:119,344,733, C>T on the plus strand (G>A on the coding strand, the complement: MFRP is on the minus strand). VCF-style: chr11-119344733-C-T. GRCh37 (hg19) VCF-style: chr11-119215443-C-T.
Other names: c.-1840G>A (NM_015645.5); short protein forms R266H.
Identifiers: ClinVar variation 1364609 (VCV001364609.8), dbSNP rs201021366, ClinGen allele CA6320384.